The following is an entry in ClinVar:

NC_000015.9:g.(43893213_43893593)_(43897598_43900060)del

Gene: STRC (stereocilin; minus strand). Cytogenetic location: 15q15.3.
Variant type: Deletion.
Identifiers: ClinVar variation 2627140 (VCV002627140.1).

ClinVar aggregate classification (germline): Likely pathogenic (1 of 4 stars; one submission).

Conditions:
Nonsyndromic genetic hearing loss. Also called: Non-syndromic genetic deafness; Nonsyndromic hearing loss and deafness; Nonsyndromic genetic deafness. Identifiers: Orphanet 87884, MedGen C5680182, MONDO:0019497.

Submission:

Women's Health and Genetics/Laboratory Corporation of America, LabCorp
Classification: Likely pathogenic for Nonsyndromic genetic hearing loss. Last evaluated: 2023-09-06. Review status: criteria provided, single submitter. Criteria: LabCorp Variant Classification Summary - May 2015. Collection method: clinical testing. Allele origin: germline.
Comment: Variant summary: The variant identified by MLPA or other technology involves the deletion of exons 19-24 in the STRC gene. A presumed nomenclature of c.(3794+1_3795-1)_(4701+1_4702-1)del has been designated for the purposes of this classification. Although exact breakpoints of this deletion are not known, it is expected to result in a frameshift in the STRC gene, a known mechanism of disease. The variant was absent in 20996 control chromosomes (gnomAD, structural variants data set). c.(3794+1_3795-1)_(4701+1_4702-1)del has been reported in the literature in an individual affected with mild bilateral hearing loss and authors classified this deletion as pathogenic (example: Florentine_2022). To our knowledge, no experimental evidence demonstrating an impact on protein function has been reported. The following publication has been ascertained in the context of this evaluation (PMID: 34515852). No submitters have cited clinical-significance assessments for this variant to ClinVar after 2014. Based on the evidence outlined above, the variant was classified as likely pathogenic.

Literature cited by the submitters: PubMed 34515852.